The following is an entry in ClinVar:

NM_014687.4(RUBCN):c.2558A>G (p.Asn853Ser)

Gene: RUBCN (rubicon autophagy regulator; minus strand). Cytogenetic location: 3q29.
Variant type: single nucleotide variant.
Coding change: c.2558A>G on transcript NM_014687.4 (MANE Select); coding-DNA position 2558, A replaced by G.
Protein change: p.Asn853Ser; replaces asparagine 853 with serine.
Molecular consequence: missense variant.
Genome position (GRCh38, 1-based): chr3:197,676,973, T>C on the plus strand (A>G on the coding strand, the complement: RUBCN is on the minus strand). VCF-style: chr3-197676973-T-C. GRCh37 (hg19) VCF-style: chr3-197403844-T-C.
Other names: p.Asn808Ser; c.2675A>G, p.Asn892Ser (NM_001346873.2); c.2423A>G, p.Asn808Ser (NM_001145642.5); short protein forms N808S, N853S, N892S.
Identifiers: ClinVar variation 4684768 (VCV004684768.1).
Genomic context (GRCh38, chr3:197,676,973, plus strand): 5'-GCCCTGGTGAGCTCAGCAAGCCGGGGCCCCAGCTCCCCCTTCCTGGTCGCAGTCAGGTCA[T>C]TCAGTGAGTACAGGTGGAGGTCCTCTGTCAGGTGGCCTGGGACTGTGTCAAAGGAATCCA-3'
Protein context (NP_055502.1, residues 843-863): LTEDLHLYSL[Asn853Ser]DLTATRKGEL

ClinVar aggregate classification (germline): Benign (1 of 4 stars; one submission).

gnomAD v4.1: 16,035 of 1,614,164 alleles (0.99%); highest among the groups gnomAD compares: East Asian, 5.6%; 271 homozygotes.

Submission:

Mayo Clinic Laboratories, Mayo Clinic
Classification: Benign. Last evaluated: 2023-11-07. Review status: criteria provided, single submitter. Criteria: ACMG Guidelines, 2015. Collection method: clinical testing. Allele origin: germline. Observed: 11 variant alleles.
Comment: BS1, BS2, BP4